The following is an entry in ClinVar:

NM_001127208.3(TET2):c.5104C>T (p.Gln1702Ter)

Genes: TET2 (tet methylcytosine dioxygenase 2; plus strand), TET2-AS1 (TET2 antisense RNA 1; minus strand). Cytogenetic location: 4q24.
Variant type: single nucleotide variant.
Coding change: c.5104C>T on transcript NM_001127208.3 (MANE Select); coding-DNA position 5104, C replaced by T.
Protein change: p.Gln1702Ter; replaces glutamine 1702 with a stop codon.
Molecular consequence: nonsense.
Genome position (GRCh38, 1-based): chr4:105,275,614, C>T. VCF-style: chr4-105275614-C-T. GRCh37 (hg19) VCF-style: chr4-106196771-C-T.
Other names: short protein forms Q1702*.
Identifiers: ClinVar variation 4975440 (VCV004975440.1).

ClinVar aggregate classification (germline): Uncertain significance (1 of 4 stars; one submission).

Submission:

GeneDx
Classification: Uncertain significance. Last evaluated: 2026-01-21. Review status: criteria provided, single submitter. Criteria: GeneDx Variant Classification Process June 2021. Collection method: clinical testing. Allele origin: germline.
Comment: Not observed at significant frequency in large population cohorts (gnomAD); Nonsense variant predicted to result in protein truncation as the last 301 amino acid(s) are lost; Has not been previously published as pathogenic or benign to our knowledge